The following is an entry in ClinVar:

ClinVar aggregate classification (germline): Likely benign. Review status: criteria provided, multiple submitters, no conflicts (2 of 4 stars). 2 submissions from 2 submitters: Likely benign (2). Last evaluated 2020-04-22.

Allele frequency attached by ClinVar (database versions not stated): gnomAD 0.00004; 1000 Genomes Project 30x 0.00016.

Submissions (2):

Blueprint Genetics
Classification: Likely benign. Last evaluated: 2020-04-22. Review status: criteria provided, single submitter. Criteria: ACMG Guidelines, 2015. Collection method: clinical testing. Allele origin: germline.

GeneDx
Classification: Likely benign. Last evaluated: 2017-06-14. Review status: criteria provided, single submitter. Criteria: GeneDx Variant Classification (06012015). Collection method: clinical testing. Allele origin: germline. Affected: yes.
Comment: This variant is considered likely benign or benign based on one or more of the following criteria: it is a conservative change, it occurs at a poorly conserved position in the protein, it is predicted to be benign by multiple in silico algorithms, and/or has population frequency not consistent with disease.

NM_001164508.2(NEB):c.14877G>A (p.Leu4959=)

Gene: NEB (nebulin; minus strand). Cytogenetic location: 2q23.3.
Variant type: single nucleotide variant.
Coding change: c.14877G>A on transcript NM_001164508.2 (MANE Select); coding-DNA position 14877, G replaced by A.
Protein change: p.Leu4959=; no amino-acid change (leucine 4959 retained).
Molecular consequence: synonymous variant. On other transcripts: intron variant (1).
Genome position (GRCh38, 1-based): chr2:151,591,405, C>T on the plus strand (G>A on the coding strand, the complement: NEB is on the minus strand). VCF-style: chr2-151591405-C-T. GRCh37 (hg19) VCF-style: chr2-152447919-C-T.
Other names: c.14877G>A, p.Leu4959= (NM_001164507.2, NM_001271208.2); c.11602-15051G>A (NM_004543.5).
Identifiers: ClinVar variation 510076 (VCV000510076.2), dbSNP rs1344795946, ClinGen allele CA429228043.